The following is an entry in ClinVar:

ClinVar aggregate classification (germline): Benign/Likely benign. Review status: criteria provided, multiple submitters, no conflicts (2 of 4 stars). 6 submissions from 6 submitters: Benign (1); Likely benign (5). Last evaluated 2026-01-26.

Conditions:
MEN1-related disorder. Also called: MEN1-related condition.
Hereditary cancer-predisposing syndrome. Also called: Neoplastic Syndromes, Hereditary; Hereditary Cancer Syndrome; Tumor predisposition; Hereditary neoplastic syndrome. Identifiers: Orphanet 140162, MedGen C0027672, MeSH D009386, MONDO:0015356.
Multiple endocrine neoplasia, type 1 (MEN1). Also called: MEN I; WERMER SYNDROME; Endocrine adenomatosis multiple; MEN 1; MEA I. Identifiers: Orphanet 652, MedGen C0025267, MeSH D018761, MONDO:0007540, OMIM 131100.

Allele frequency attached by ClinVar (database versions not stated): ExAC 0.00001; gnomAD 0.00001; gnomAD exomes 0.00001; TOPMed 0.00001.
gnomAD v4.1: 9 of 1,614,014 alleles (0.00056%); highest among the groups gnomAD compares: Admixed American, 0.0017%; no homozygotes.

Submissions (6):

Labcorp Genetics (formerly Invitae), Labcorp
Classification: Likely benign for Multiple endocrine neoplasia, type 1. Last evaluated: 2026-01-26. Review status: criteria provided, single submitter. Criteria: Invitae Variant Classification Sherloc (09022015). Collection method: clinical testing. Allele origin: germline.

Myriad Genetics, Inc.
Classification: Benign for Multiple endocrine neoplasia, type 1. Last evaluated: 2024-11-01. Review status: criteria provided, single submitter. Criteria: Myriad Autosomal Dominant, Autosomal Recessive and X-Linked Classification Criteria (2023). Collection method: clinical testing. Allele origin: unknown.
Comment: This variant is considered benign. This variant is a silent/synonymous amino acid change and it is not expected to impact splicing.

PreventionGenetics, part of Exact Sciences
Classification: Likely benign for MEN1-related condition. Last evaluated: 2024-10-28. Review status: criteria provided, single submitter. Criteria: ACMG Guidelines, 2015. Collection method: clinical testing. Allele origin: germline.
Comment: This variant is classified as likely benign based on ACMG/AMP sequence variant interpretation guidelines (Richards et al. 2015 PMID: 25741868, with internal and published modifications).

All of Us Research Program, National Institutes of Health
Classification: Likely benign for Multiple endocrine neoplasia, type 1. Last evaluated: 2023-05-16. Review status: criteria provided, single submitter. Criteria: ACMG Guidelines, 2015. Collection method: clinical testing. Allele origin: germline. Inheritance: Autosomal dominant inheritance. Observed: 2 variant alleles, 2 heterozygotes.
Comment: This study involves interpretation of variants in research participants for the purpose of population health screening. Participant phenotype was not available at the time of variant classification. Additional details can be found in publication PMID: 35346344, PMCID: PMC8962531

Color Diagnostics, LLC DBA Color Health
Classification: Likely benign for Multiple endocrine neoplasia, type 1. Last evaluated: 2022-10-20. Review status: criteria provided, single submitter. Criteria: ACMG Guidelines, 2015. Collection method: clinical testing. Allele origin: germline.

Ambry Genetics
Classification: Likely benign for Hereditary cancer-predisposing syndrome. Last evaluated: 2016-07-28. Review status: criteria provided, single submitter. Criteria: Ambry Variant Classification Scheme 2023. Collection method: clinical testing. Allele origin: germline.

NM_001370259.2(MEN1):c.609C>T (p.Asn203=)

Gene: MEN1 (menin 1; minus strand). Cytogenetic location: 11q13.1.
Variant type: single nucleotide variant.
Coding change: c.609C>T on transcript NM_001370259.2 (MANE Select); coding-DNA position 609, C replaced by T.
Protein change: p.Asn203=; no amino-acid change (asparagine 203 retained).
Molecular consequence: synonymous variant. On other transcripts: intron variant (2).
Genome position (GRCh38, 1-based): chr11:64,807,936, G>A on the plus strand (C>T on the coding strand, the complement: MEN1 is on the minus strand). VCF-style: chr11-64807936-G-A. GRCh37 (hg19) VCF-style: chr11-64575408-G-A.
Other names: c.624C>T, p.Asn208= (NM_000244.4, NM_130800.3, NM_130801.3 and 3 more transcripts); c.609C>T, p.Asn203= (NM_001370251.2, NM_001370260.2, NM_001370261.2 and 1 more transcripts); c.549+60C>T (NM_001370263.2, NM_001370262.2); c.624C>T (NM_000244.3).
Identifiers: ClinVar variation 485725 (VCV000485725.21), dbSNP rs749844029, ClinGen allele CA061316.